The following is an entry in ClinVar:

ClinVar aggregate classification (germline): Benign/Likely benign. Review status: criteria provided, multiple submitters, no conflicts (2 of 4 stars). 2 submissions from 2 submitters: Benign (1); Likely benign (1). Last evaluated 2024-06-28.

Conditions:
Methylmalonic acidemia with homocystinuria, type cblX (MAHCX). Also called: INTELLECTUAL DEVELOPMENTAL DISORDER, X-LINKED 3. Identifiers: Orphanet 369962, MedGen C0796208, MONDO:0010657, OMIM 309541.

Allele frequency attached by ClinVar (database versions not stated): gnomAD exomes 0.00004; ExAC 0.00005; gnomAD 0.00005; TOPMed 0.00005; ESP Exome Variant Server 0.00020.

Submissions (2):

Labcorp Genetics (formerly Invitae), Labcorp
Classification: Benign for Methylmalonic acidemia with homocystinuria, type cblX. Last evaluated: 2024-06-28. Review status: criteria provided, single submitter. Criteria: Invitae Variant Classification Sherloc (09022015). Collection method: clinical testing. Allele origin: germline.

GeneDx
Classification: Likely benign. Last evaluated: 2018-05-29. Review status: criteria provided, single submitter. Criteria: GeneDx Variant Classification (06012015). Collection method: clinical testing. Allele origin: germline. Affected: yes.
Comment: This variant is considered likely benign or benign based on one or more of the following criteria: it is a conservative change, it occurs at a poorly conserved position in the protein, it is predicted to be benign by multiple in silico algorithms, and/or has population frequency not consistent with disease.

NM_005334.3(HCFC1):c.2134-20C>A

Gene: HCFC1 (host cell factor C1; minus strand). Cytogenetic location: Xq28.
Variant type: single nucleotide variant.
Coding change: c.2134-20C>A on transcript NM_005334.3 (MANE Select); 20 bases into the intron before coding-DNA position 2134, C replaced by A.
Molecular consequence: intron variant.
Genome position (GRCh38, 1-based): chrX:153,957,553, G>T on the plus strand (C>A on the coding strand, the complement: HCFC1 is on the minus strand). VCF-style: chrX-153957553-G-T. GRCh37 (hg19) VCF-style: chrX-153223004-G-T.
Identifiers: ClinVar variation 668213 (VCV000668213.4), dbSNP rs368718262, ClinGen allele CA10557372.